The following is an entry in ClinVar:

NM_000460.4(THPO):c.350A>G (p.Gln117Arg)

Gene: THPO (thrombopoietin; minus strand). Cytogenetic location: 3q27.1.
Variant type: single nucleotide variant.
Coding change: c.350A>G on transcript NM_000460.4 (MANE Select); coding-DNA position 350, A replaced by G.
Protein change: p.Gln117Arg; replaces glutamine 117 with arginine.
Molecular consequence: missense variant.
Genome position (GRCh38, 1-based): chr3:184,373,461, T>C on the plus strand (A>G on the coding strand, the complement: THPO is on the minus strand). VCF-style: chr3-184373461-T-C. GRCh37 (hg19) VCF-style: chr3-184091249-T-C.
Other names: c.350A>G, p.Gln117Arg (NM_001177597.2, NM_001177598.2, NM_001289997.1 and 5 more transcripts); c.770A>G, p.Gln257Arg (NM_001290003.1); c.350A>G (NM_000460.2); short protein forms Q117R, Q257R.
Identifiers: ClinVar variation 2981330 (VCV002981330.4), dbSNP rs755218283, ClinGen allele CA2734985.
Genomic context (GRCh38, chr3:184,373,461, plus strand): 5'-GACTGGGGACTTACCTGGGTTCCAAGGAGGCTCTGCAGGGCCCCAAGGAGGAGACGGACC[T>C]GTCCAGAAAGCTGCCCCAGGAGGGATGAGAGGCAAGTGGGTCCCAGTTGTCCCCGTGCTG-3'
Protein context (NP_000451.1, residues 107-127): LSSLLGQLSG[Gln117Arg]VRLLLGALQS

ClinVar aggregate classification (germline): Uncertain significance. Review status: criteria provided, multiple submitters, no conflicts (2 of 4 stars). 2 submissions from 2 submitters: Uncertain significance (2). Last evaluated 2024-06-04.

Conditions:
Inborn genetic diseases. Identifiers: MedGen C0950123, MeSH D030342.

Allele frequency attached by ClinVar (database versions not stated): gnomAD exomes below 0.00001; TOPMed below 0.00001; ExAC 0.00001; gnomAD 0.00001.

Submissions (2):

Labcorp Genetics (formerly Invitae), Labcorp
Classification: Uncertain significance. Last evaluated: 2024-06-04. Review status: criteria provided, single submitter. Criteria: Invitae Variant Classification Sherloc (09022015). Collection method: clinical testing. Allele origin: germline.
Comment: This sequence change replaces glutamine, which is neutral and polar, with arginine, which is basic and polar, at codon 117 of the THPO protein (p.Gln117Arg). This variant is present in population databases (rs755218283, gnomAD 0.003%). This variant has not been reported in the literature in individuals affected with THPO-related conditions. Advanced modeling of protein sequence and biophysical properties (such as structural, functional, and spatial information, amino acid conservation, physicochemical variation, residue mobility, and thermodynamic stability) has been performed at Invitae for this missense variant, however the output from this modeling did not meet the statistical confidence thresholds required to predict the impact of this variant on THPO protein function. In summary, the available evidence is currently insufficient to determine the role of this variant in disease. Therefore, it has been classified as a Variant of Uncertain Significance.

Ambry Genetics
Classification: Uncertain significance for Inborn genetic diseases. Last evaluated: 2024-01-23. Review status: criteria provided, single submitter. Criteria: Ambry Variant Classification Scheme 2023. Collection method: clinical testing. Allele origin: germline.